The following is an entry in ClinVar:

NM_000092.5(COL4A4):c.3331C>T (p.Gln1111Ter)

Gene: COL4A4 (collagen type IV alpha 4 chain; minus strand). Cytogenetic location: 2q36.3.
Variant type: single nucleotide variant.
Coding change: c.3331C>T on transcript NM_000092.5 (MANE Select); coding-DNA position 3331, C replaced by T.
Protein change: p.Gln1111Ter; replaces glutamine 1111 with a stop codon.
Molecular consequence: nonsense.
Genome position (GRCh38, 1-based): chr2:227,043,143, G>A on the plus strand (C>T on the coding strand, the complement: COL4A4 is on the minus strand). VCF-style: chr2-227043143-G-A. GRCh37 (hg19) VCF-style: chr2-227907859-G-A.
Other names: short protein forms Q1111*.
Identifiers: ClinVar variation 2019277 (VCV002019277.7), dbSNP rs2473718276, ClinGen allele CA350838515.

ClinVar aggregate classification (germline): Pathogenic/Likely pathogenic. Review status: criteria provided, multiple submitters, no conflicts (2 of 4 stars). 4 submissions from 4 submitters: Pathogenic (1); Likely pathogenic (3). Last evaluated 2024-04-20.

Conditions:
Alport syndrome. Also called: Hemorrhagic familial nephritis; Hemorrhagic hereditary nephritis; Congenital hereditary hematuria. Identifiers: Orphanet 63, MedGen C1567741, MONDO:0018965.
Autosomal recessive Alport syndrome (ATS2). Also called: ALPORT SYNDROME 2, AUTOSOMAL RECESSIVE; COL4A3-Related Nephropathy; Alport syndrome type 2; COL4A4 Alport Syndrome and Thin Basement Membrane Nephropathy. Identifiers: Orphanet 63, Orphanet 88919, MedGen C4746745, MONDO:0008762, OMIM 203780.
Hematuria, benign familial, 1 (BFH1). Also called: THIN MEMBRANE NEPHROPATHY. Identifiers: MedGen CN376803, MONDO:0007709, OMIM 141200.
COL4A4-related disorder.

Allele frequency attached by ClinVar (database versions not stated): gnomAD exomes below 0.00001.
gnomAD v4.1: 2 of 1,614,132 alleles (0.00012%); highest among the groups gnomAD compares: Non-Finnish European, 0.00017%; no homozygotes.

Submissions (4):

Fulgent Genetics
Classification: Likely pathogenic for Hematuria, benign familial, 1; Autosomal recessive Alport syndrome. Last evaluated: 2024-04-20. Review status: criteria provided, single submitter. Criteria: ACMG Guidelines, 2015. Collection method: clinical testing. Allele origin: germline.

Natera, Inc.
Classification: Likely pathogenic for Alport syndrome. Last evaluated: 2024-03-15. Review status: criteria provided, single submitter. Criteria: Natera Variant Classification Schema (03/2026). Collection method: clinical testing. Allele origin: germline.
Comment: The c.3331C>T variant in COL4A4 is a nonsense variant predicted to introduce a stop codon at amino acid 1111. This variant is expected to result in nonsense mediated decay, truncation, or a dysfunctional protein product. This variant is rare in the general population with a frequency below the threshold expected for the associated phenotype(s). Given the available evidence, this variant is classified as Likely Pathogenic.

Labcorp Genetics (formerly Invitae), Labcorp
Classification: Pathogenic. Last evaluated: 2022-07-23. Review status: criteria provided, single submitter. Criteria: Invitae Variant Classification Sherloc (09022015). Collection method: clinical testing. Allele origin: germline.
Comment: This sequence change creates a premature translational stop signal (p.Gln1111*) in the COL4A4 gene. It is expected to result in an absent or disrupted protein product. Loss-of-function variants in COL4A4 are known to be pathogenic (PMID: 21196518, 24854265, 25307543). For these reasons, this variant has been classified as Pathogenic. This variant has not been reported in the literature in individuals affected with COL4A4-related conditions. This variant is not present in population databases (gnomAD no frequency).

Blueprint Genetics
Classification: Likely pathogenic for COL4A4-related disorders. Last evaluated: 2020-04-16. Review status: criteria provided, single submitter. Criteria: ACMG Guidelines, 2015. Collection method: clinical testing. Allele origin: germline. Affected: yes. Observed: 2 variant alleles.

Literature cited by the submitters: PubMed 21196518 (cited by Labcorp Genetics (formerly Invitae), Labcorp); PubMed 24854265 (cited by Labcorp Genetics (formerly Invitae), Labcorp); PubMed 25307543 (cited by Labcorp Genetics (formerly Invitae), Labcorp).